The following is an entry in ClinVar:

NM_018127.7(ELAC2):c.2253+1G>C

Gene: ELAC2 (elaC ribonuclease Z 2; minus strand). Cytogenetic location: 17p12.
Variant type: single nucleotide variant.
Coding change: c.2253+1G>C on transcript NM_018127.7 (MANE Select); the canonical splice donor site of the intron after coding-DNA position 2253, G replaced by C.
Molecular consequence: splice donor variant.
Genome position (GRCh38, 1-based): chr17:12,993,686, C>G on the plus strand (G>C on the coding strand, the complement: ELAC2 is on the minus strand). VCF-style: chr17-12993686-C-G. GRCh37 (hg19) VCF-style: chr17-12897003-C-G.
Other names: c.2133+1G>C (NM_001165962.2); c.2250+1G>C (NM_173717.2).
Identifiers: ClinVar variation 2289444 (VCV002289444.4), dbSNP rs1276616440, ClinGen allele CA398222466.

ClinVar aggregate classification (germline): Conflicting classifications of pathogenicity. Review status: criteria provided, conflicting classifications (1 of 4 stars). 2 submissions from 2 submitters: Pathogenic (1); Uncertain significance (1). Last evaluated 2024-12-17.

Conditions:
Combined oxidative phosphorylation defect type 17. Also called: Combined oxidative phosphorylation deficiency 17. Identifiers: Orphanet 369913, MedGen C3809526, MONDO:0014190, OMIM 615440.
Inborn genetic diseases. Identifiers: MedGen C0950123, MeSH D030342.

Allele frequency attached by ClinVar (database versions not stated): gnomAD exomes below 0.00001; TOPMed below 0.00001; gnomAD 0.00001.
gnomAD v4.1: 2 of 1,614,064 alleles (0.00012%); no homozygotes.

Submissions (2):

Labcorp Genetics (formerly Invitae), Labcorp
Classification: Pathogenic for Combined oxidative phosphorylation defect type 17. Last evaluated: 2024-12-17. Review status: criteria provided, single submitter. Criteria: Invitae Variant Classification Sherloc (09022015). Collection method: clinical testing. Allele origin: germline.
Comment: This sequence change affects a donor splice site in intron 23 of the ELAC2 gene. While this variant is not anticipated to result in nonsense mediated decay, it likely alters RNA splicing and results in a disrupted protein product. This variant is not present in population databases (gnomAD no frequency). This variant has not been reported in the literature in individuals affected with ELAC2-related conditions. ClinVar contains an entry for this variant (Variation ID: 2289444). Variants that disrupt the consensus splice site are a relatively common cause of aberrant splicing (PMID: 17576681, 9536098). Algorithms developed to predict the effect of sequence changes on RNA splicing suggest that this variant may disrupt the consensus splice site. This variant disrupts a region of the ELAC2 protein in which other variant(s) (p.Arg781His) have been determined to be pathogenic (PMID: 31045291; internal data). This suggests that this is a clinically significant region of the protein, and that variants that disrupt it are likely to be disease-causing. For these reasons, this variant has been classified as Pathogenic.

Ambry Genetics
Classification: Uncertain significance for Inborn genetic diseases. Last evaluated: 2022-06-23. Review status: criteria provided, single submitter. Criteria: Ambry Variant Classification Scheme 2023. Collection method: clinical testing. Allele origin: germline.
Comment: Not expected to trigger nonsense-mediated mRNA decay Based on insufficient or conflicting evidence, the clinical significance of this alteration remains unclear.

Literature cited by the submitters: PubMed 17576681 (cited by Labcorp Genetics (formerly Invitae), Labcorp); PubMed 9536098 (cited by Labcorp Genetics (formerly Invitae), Labcorp); PubMed 31045291 (cited by Labcorp Genetics (formerly Invitae), Labcorp).